The following is an entry in ClinVar:

ClinVar aggregate classification (germline): Pathogenic (1 of 4 stars; one submission).

Submission:

Labcorp Genetics (formerly Invitae), Labcorp
Classification: Pathogenic. Last evaluated: 2021-12-13. Review status: criteria provided, single submitter. Criteria: Invitae Variant Classification Sherloc (09022015). Collection method: clinical testing. Allele origin: germline.
Comment: This variant has not been reported in the literature in individuals affected with FERMT1-related conditions. For these reasons, this variant has been classified as Pathogenic. This variant is not present in population databases (gnomAD no frequency). This sequence change creates a premature translational stop signal (p.Val426Glyfs*4) in the FERMT1 gene. It is expected to result in an absent or disrupted protein product. Loss-of-function variants in FERMT1 are known to be pathogenic (PMID: 14962093, 21936020).

Literature cited by the submitters: PubMed 14962093; PubMed 21936020.

NM_017671.5(FERMT1):c.1277del (p.Val426fs)

Gene: FERMT1 (FERM domain containing kindlin 1; minus strand). Cytogenetic location: 20p12.3.
Variant type: Deletion.
Coding change: c.1277del on transcript NM_017671.5 (MANE Select); coding-DNA position 1277, one base deleted (T; older notation c.1277delT).
Protein change: p.Val426fs; shifts the reading frame from valine 426.
Molecular consequence: frameshift variant.
Genome position (GRCh38, 1-based): chr20:6,087,871, A deleted on the plus strand (T on the coding strand, the reverse complement: FERMT1 is on the minus strand). VCF-style (leftmost placement, unchanged base first): chr20-6087870-CA-C. GRCh37 (hg19) VCF-style: chr20-6068517-CA-C.
Other names: short protein forms V426fs.
Identifiers: ClinVar variation 1400691 (VCV001400691.6), dbSNP rs2123105057, ClinGen allele CA2573156957.